The following is an entry in ClinVar:

NM_000168.6(GLI3):c.3640C>T (p.Gln1214Ter)

Gene: GLI3 (GLI family zinc finger 3; minus strand). Cytogenetic location: 7p14.1.
Variant type: single nucleotide variant.
Coding change: c.3640C>T on transcript NM_000168.6 (MANE Select); coding-DNA position 3640, C replaced by T.
Protein change: p.Gln1214Ter; replaces glutamine 1214 with a stop codon.
Molecular consequence: nonsense.
Genome position (GRCh38, 1-based): chr7:41,965,433, G>A on the plus strand (C>T on the coding strand, the complement: GLI3 is on the minus strand). VCF-style: chr7-41965433-G-A. GRCh37 (hg19) VCF-style: chr7-42005031-G-A.
Other names: short protein forms Q1214*.
Identifiers: ClinVar variation 3345562 (VCV003345562.2).
Genomic context (GRCh38, chr7:41,965,433, plus strand): 5'-TGTTGTGGAGCATCAAGTGCTCTGGGCCACCGTAGGGGTTGCTGTTCTCCCCGAGGGTCT[G>A]ATAGCCCCCAGCAGGCCCGCTCCTCAAGGGGTTCTGCGGGTGGACGACCATGCCGTTGCA-3'

ClinVar aggregate classification (germline): Likely pathogenic. Review status: criteria provided, single submitter (1 of 4 stars). 2 submissions from 2 submitters: Likely pathogenic (1). 1 of the submissions does not count toward it. Last evaluated 2024-10-02.

Conditions:
GLI3-related disorder. Also called: GLI3-related condition; GLI3-related disorders. Identifiers: MedGen CN239292.

Submissions (2):

GeneDx
Classification: Likely pathogenic. Last evaluated: 2024-10-02. Review status: criteria provided, single submitter. Criteria: GeneDx Variant Classification Process June 2021. Collection method: clinical testing. Allele origin: germline. Affected: yes.
Comment: Nonsense variant predicted to result in protein truncation, as the last 367 amino acid(s) are lost, and other loss-of-function variants have been reported downstream in HGMD; Not observed at significant frequency in large population cohorts (gnomAD); This variant is associated with the following publications: (PMID: 33767182)

PreventionGenetics, part of Exact Sciences
Classification: Pathogenic for GLI3-related condition. Last evaluated: 2024-06-10. Review status: no assertion criteria provided. Collection method: clinical testing. Allele origin: germline. Not counted in ClinVar's aggregate classification.
Comment: The GLI3 c.3640C>T variant is predicted to result in premature protein termination (p.Gln1214*). This variant was reported in an individual with global developmental delay/intellectual disability (Martinez-Granero et al 2021. PubMed ID: 33767182). This variant has not been reported in a large population database, indicating this variant is rare. Nonsense variants in GLI3 are expected to be pathogenic. This variant is interpreted as pathogenic.